The following is an entry in ClinVar:

NM_021224.6(ZNF462):c.1319A>T (p.Gln440Leu)

Gene: ZNF462 (zinc finger protein 462; plus strand). Cytogenetic location: 9q31.2.
Variant type: single nucleotide variant.
Coding change: c.1319A>T on transcript NM_021224.6 (MANE Select); coding-DNA position 1319, A replaced by T.
Protein change: p.Gln440Leu; replaces glutamine 440 with leucine.
Molecular consequence: missense variant.
Genome position (GRCh38, 1-based): chr9:106,925,231, A>T. VCF-style: chr9-106925231-A-T. GRCh37 (hg19) VCF-style: chr9-109687512-A-T.
Other names: c.1319A>T, p.Gln440Leu (NM_001347997.2); short protein forms Q440L.
Identifiers: ClinVar variation 2337847 (VCV002337847.3), dbSNP rs2538732133, ClinGen allele CA374384317.

ClinVar aggregate classification (germline): Uncertain significance (1 of 4 stars; one submission).

Conditions:
Inborn genetic diseases. Identifiers: MedGen C0950123, MeSH D030342.

Submission:

Ambry Genetics
Classification: Uncertain significance for Inborn genetic diseases. Last evaluated: 2023-02-02. Review status: criteria provided, single submitter. Criteria: Ambry Variant Classification Scheme 2023. Collection method: clinical testing. Allele origin: germline.
Comment: The c.1319A>T (p.Q440L) alteration is located in exon 3 (coding exon 2) of the ZNF462 gene. This alteration results from an A to T substitution at nucleotide position 1319, causing the glutamine (Q) at amino acid position 440 to be replaced by a leucine (L). This variant was not reported in population-based cohorts in the Genome Aggregation Database (gnomAD). This amino acid position is highly conserved in available vertebrate species. The in silico prediction for this alteration is inconclusive. Based on insufficient or conflicting evidence, the clinical significance of this alteration remains unclear.